The following is an entry in ClinVar:

NC_000014.8:g.(?_68145038)_(68238947_?)dup

Genes: RDH11 (retinol dehydrogenase 11; minus strand), RDH12 (retinol dehydrogenase 12; plus strand), ZFYVE26 (zinc finger FYVE-type containing 26; minus strand). Cytogenetic location: 14q24.1.
Variant type: Duplication.
Identifiers: ClinVar variation 2426259 (VCV002426259.3).

ClinVar aggregate classification (germline): Uncertain significance (1 of 4 stars; one submission).

Submission:

Labcorp Genetics (formerly Invitae), Labcorp
Classification: Uncertain significance. Last evaluated: 2022-07-05. Review status: criteria provided, single submitter. Criteria: Invitae Variant Classification Sherloc (09022015). Collection method: clinical testing. Allele origin: germline.
Comment: A copy number gain of the genomic region encompassing the full coding sequence of the RDH11 gene has been identified. The boundaries of this event are unknown as they extend beyond the assayed region for this gene and therefore may encompass additional genes. As the precise location of this event is unknown, it may be in tandem or it may be located elsewhere in the genome. This variant has not been reported in the literature in individuals affected with RDH11-related conditions. In summary, the available evidence is currently insufficient to determine the role of this variant in disease. Therefore, it has been classified as a Variant of Uncertain Significance.